The following is an entry in ClinVar:

ClinVar aggregate classification (germline): Uncertain significance (1 of 4 stars; one submission).

Conditions:
Hereditary cancer-predisposing syndrome. Also called: Neoplastic Syndromes, Hereditary; Hereditary Cancer Syndrome; Hereditary neoplastic syndrome; Tumor predisposition. Identifiers: Orphanet 140162, MedGen C0027672, MeSH D009386, MONDO:0015356.

Submission:

Ambry Genetics
Classification: Uncertain significance for Hereditary cancer-predisposing syndrome. Last evaluated: 2023-03-31. Review status: criteria provided, single submitter. Criteria: Ambry Variant Classification Scheme 2023. Collection method: clinical testing. Allele origin: germline.
Comment: The p.H673Q variant (also known as c.2019C>A), located in coding exon 14 of the PTCH1 gene, results from a C to A substitution at nucleotide position 2019. The histidine at codon 673 is replaced by glutamine, an amino acid with highly similar properties. This amino acid position is conserved. In addition, this alteration is predicted to be tolerated by in silico analysis. Since supporting evidence is limited at this time, the clinical significance of this alteration remains unclear.

NM_000264.5(PTCH1):c.2019C>A (p.His673Gln)

Genes: PTCH1 (patched 1; minus strand), LOC100507346 (uncharacterized LOC100507346; plus strand). Cytogenetic location: 9q22.32.
Variant type: single nucleotide variant.
Coding change: c.2019C>A on transcript NM_000264.5 (MANE Select); coding-DNA position 2019, C replaced by A.
Protein change: p.His673Gln; replaces histidine 673 with glutamine.
Molecular consequence: missense variant. On other transcripts: non-coding transcript variant (2).
Genome position (GRCh38, 1-based): chr9:95,468,982, G>T on the plus strand (C>A on the coding strand, the complement: PTCH1 is on the minus strand). VCF-style: chr9-95468982-G-T. GRCh37 (hg19) VCF-style: chr9-98231264-G-T.
Other names: c.1821C>A, p.His607Gln (NM_001083602.3); c.2016C>A, p.His672Gln (NM_001083603.3); c.1566C>A, p.His522Gln (NM_001083604.3, NM_001083605.3, NM_001083606.3 and 1 more transcripts); c.1863C>A, p.His621Gln (NM_001354918.2); short protein forms H522Q, H607Q, H621Q, H673Q, H672Q.
Identifiers: ClinVar variation 2561880 (VCV002561880.2), dbSNP rs587780695, ClinGen allele CA374115828.